The following is an entry in ClinVar:

ClinVar aggregate classification (germline): Conflicting classifications of pathogenicity. Review status: criteria provided, conflicting classifications (1 of 4 stars). 7 submissions from 7 submitters: Uncertain significance (5); Likely benign (2). Last evaluated 2026-02-25.

Conditions:
CREBBP-related disorder. Also called: CREBBP-related condition; CREBBP-related disorders.
Rubinstein-Taybi syndrome (RSTS). Identifiers: Orphanet 783, MedGen C0035934, MONDO:0019188.
Rubinstein-Taybi syndrome due to CREBBP mutations (RSTS1). Also called: RUBINSTEIN SYNDROME; CREBBP-Related Rubinstein-Taybi Syndrome; Rubinstein-Taybi syndrome 1; BROAD THUMBS AND GREAT TOES, CHARACTERISTIC FACIES, AND IMPAIRED INTELLECTUAL DEVELOPMENT; RUBINSTEIN-TAYBI SYNDROME 1, INCOMPLETE; BROAD THUMB-HALLUX SYNDROME. Identifiers: Orphanet 353277, Orphanet 783, MedGen C4551859, MONDO:0008393, OMIM 180849.

Allele frequency attached by ClinVar (database versions not stated): gnomAD exomes below 0.00001 and 0.00001; ExAC 0.00001; TOPMed 0.00001.
gnomAD v4.1: 16 of 1,614,108 alleles (0.00099%); highest among the groups gnomAD compares: Non-Finnish European, 0.0012%; no homozygotes.

Submissions (7):

PreventionGenetics, part of Exact Sciences
Classification: Uncertain significance for CREBBP-related condition. Last evaluated: 2026-02-25. Review status: criteria provided, single submitter. Criteria: ACMG Guidelines, 2015. Collection method: clinical testing. Allele origin: germline.
Comment: The CREBBP c.283G>A variant is predicted to result in the amino acid substitution p.Val95Met. To our knowledge, this variant has not been reported in the literature. This variant is reported in 0.00088% of alleles in individuals of European (Non-Finnish) descent in gnomAD. At this time, the clinical significance of this variant is uncertain due to the absence of conclusive functional and genetic evidence.

Labcorp Genetics (formerly Invitae), Labcorp
Classification: Likely benign for Rubinstein-Taybi syndrome. Last evaluated: 2025-10-02. Review status: criteria provided, single submitter. Criteria: Invitae Variant Classification Sherloc (09022015). Collection method: clinical testing. Allele origin: germline.

Blueprint Genetics
Classification: Uncertain significance. Last evaluated: 2024-04-18. Review status: criteria provided, single submitter. Criteria: ACMG Guidelines, 2015. Collection method: clinical testing. Allele origin: germline.

CeGaT Center for Human Genetics Tuebingen
Classification: Uncertain significance. Last evaluated: 2024-01-01. Review status: criteria provided, single submitter. Criteria: CeGaT Center For Human Genetics Tuebingen Variant Classification Criteria Version 2. Collection method: clinical testing. Allele origin: germline. Affected: yes. Observed: 2 variant alleles.
Comment: CREBBP: PP2

GeneDx
Classification: Likely benign. Last evaluated: 2021-07-15. Review status: criteria provided, single submitter. Criteria: GeneDx Variant Classification Process June 2021. Collection method: clinical testing. Allele origin: germline. Affected: yes.
Comment: In silico analysis supports that this missense variant does not alter protein structure/function; Has not been previously published as pathogenic or benign to our knowledge; This variant is associated with the following publications: (PMID: 8616895, 27535533, 29259186)

Mendelics
Classification: Uncertain significance for Rubinstein-Taybi syndrome due to CREBBP mutations. Last evaluated: 2019-05-28. Review status: criteria provided, single submitter. Criteria: Mendelics Assertion Criteria 2017. Collection method: clinical testing. Allele origin: unknown.

UNC Molecular Genetics  Laboratory, University of North Carolina at Chapel Hill
Classification: Uncertain significance for Rubinstein-Taybi syndrome 1. Review status: criteria provided, single submitter. Criteria: ACMG Guidelines, 2015. Collection method: research. Allele origin: germline. Observed: 1 variant allele. Study: CSER_NCGENES_2.
Comment: CREBBP c.283G>A, [p.V95M] has not been reported previously in the medical literature, and is a variant of uncertain significance.

NM_004380.3(CREBBP):c.283G>A (p.Val95Met)

Gene: CREBBP (CREB binding lysine acetyltransferase; minus strand). Cytogenetic location: 16p13.3.
Variant type: single nucleotide variant.
Coding change: c.283G>A on transcript NM_004380.3 (MANE Select); coding-DNA position 283, G replaced by A.
Protein change: p.Val95Met; replaces valine 95 with methionine.
Molecular consequence: missense variant.
Genome position (GRCh38, 1-based): chr16:3,850,812, C>T on the plus strand (G>A on the coding strand, the complement: CREBBP is on the minus strand). VCF-style: chr16-3850812-C-T. GRCh37 (hg19) VCF-style: chr16-3900813-C-T.
Other names: c.283G>A (NM_004380.2); c.283G>A, p.Val95Met (NM_001079846.1); short protein forms V95M.
Identifiers: ClinVar variation 803206 (VCV000803206.35), dbSNP rs756802946, ClinGen allele CA7870703.
Genomic context (GRCh38, chr16:3,850,812, plus strand): 5'-GGCTGGCCATGTTAGCACTGTTCGGCTGCCCTTGAGCCTGGCCACCCAGGCCCTGCTGCA[C>T]GGGGCTGCTGGCGCTCACATTTCCTATTCCTGGGTTGATACTAGAGCCGCTGCCTCCTCG-3'
Protein context (NP_004371.2, residues 85-105): GIGNVSASSP[Val95Met]QQGLGGQAQG